The following is an entry in ClinVar:

NC_000015.9:g.(?_89379429)_(89385118_?)del

Gene: ACAN (aggrecan; plus strand). Cytogenetic location: 15q26.1.
Variant type: Deletion.
Identifiers: ClinVar variation 3243880 (VCV003243880.1).

ClinVar aggregate classification (germline): Pathogenic (1 of 4 stars; one submission).

Submission:

Labcorp Genetics (formerly Invitae), Labcorp
Classification: Pathogenic. Last evaluated: 2023-10-04. Review status: criteria provided, single submitter. Criteria: Invitae Variant Classification Sherloc (09022015). Collection method: clinical testing. Allele origin: unknown.
Comment: This variant is a gross deletion of the genomic region encompassing exon(s) 2-5 of the ACAN gene, which includes the initiator codon. This deletion extends beyond the assayed region for this gene and therefore may encompass additional genes. It is expected to result in an absent or disrupted protein product. Loss-of-function variants in ACAN are known to be pathogenic (PMID: 16080123, 24762113). This variant has not been reported in the literature in individuals affected with ACAN-related conditions. For these reasons, this variant has been classified as Pathogenic.

Literature cited by the submitters: PubMed 16080123; PubMed 24762113.